The following is an entry in ClinVar:

NM_177438.3(DICER1):c.5365-4A>G

Gene: DICER1 (dicer 1, ribonuclease III; minus strand). Cytogenetic location: 14q32.13.
Variant type: single nucleotide variant.
Coding change: c.5365-4A>G on transcript NM_177438.3 (MANE Select); 4 bases into the intron before coding-DNA position 5365, A replaced by G.
Molecular consequence: intron variant.
Genome position (GRCh38, 1-based): chr14:95,091,369, T>C on the plus strand (A>G on the coding strand, the complement: DICER1 is on the minus strand). VCF-style: chr14-95091369-T-C. GRCh37 (hg19) VCF-style: chr14-95557706-T-C.
Other names: c.5365-4A>G (NM_001291628.2, NM_030621.4, NM_001395677.1 and 7 more transcripts); c.4960-4A>G (NM_001395690.1, NM_001395687.1, NM_001395689.1 and 1 more transcripts); c.5083-4A>G (NM_001395686.1); c.4798-4A>G (NM_001395691.1); c.3682-4A>G (NM_001395697.1); c.5365-260A>G (NM_001195573.1).
Identifiers: ClinVar variation 1713278 (VCV001713278.7), dbSNP rs754838493, ClinGen allele CA2575615880.

ClinVar aggregate classification (germline): Likely pathogenic. Review status: reviewed by expert panel (3 of 4 stars). 4 submissions from 4 submitters: Likely pathogenic (1). 3 of the submissions do not count toward it. Last evaluated 2026-09-01.

Conditions:
DICER1-related tumor predisposition. Also called: DICER1 syndrome; DICER1-related pleuropulmonary blastoma cancer predisposition syndrome. Identifiers: Orphanet 284343, MedGen C3839822, MONDO:0100216.
Pleuropulmonary blastoma (PPB). Identifiers: Orphanet 64742, MedGen C1266144, MONDO:0011014, OMIM 601200, HP:0100528.

Submissions (4):

ClinGen DICER1 and miRNA-Processing Gene Variant Curation Expert Panel, ClinGen
Classification: Likely pathogenic for DICER1-related tumor predisposition. Last evaluated: 2026-09-01. Review status: reviewed by expert panel. Criteria: ClinGen DICER1 and miRNA-Processing Gene Expert Panel Specifications to the ACMG/AMP Variant Interpretation Guidelines for DICER1 Version 1.4. Collection method: curation. Allele origin: germline. Inheritance: Autosomal dominant inheritance.
Comment: The NM_177438.2:c.5365-4A>G variant in DICER1 is an intronic variant resulting in an A to G substitution 4 nucleotides upstream from coding exon 25. This variant received a total of 1 phenotype point in 1 unrelated proband, meeting DICER1 VCEP phenotype specificity scoring criteria of 1-1.5 points (PS4_Supporting; PMID: 37248399). At least one patient with this variant was found to have a somatic second hit in a recognized DICER1 hotspot codon on tumor sequencing, evidence consistent with pathogenicity for DICER1-related tumor predisposition (PP4, PMID: 37248399). This variant is absent from gnomAD v4.1.1 (PM2_Supporting). Sequencing in RNA from patients and a minigene assay showed that this variant created two aberrant transcripts that both had an out-of-frame impact on splicing, indicating that this variant impacts protein function (PS3; PMID:37248399). The results from two in silico splicing predictors, MaxEntScan and SpliceAI, indicate that this variant may affect splicing by disrupting the acceptor splice site of intron 24 of DICER1 (PP3). In summary, this variant meets the criteria to be classified as Likely Pathogenic for DICER1-related tumor predisposition based on the ACMG/AMP criteria applied, as specified by the ClinGen DICER1 VCEP: PS4_Supporting, PP4, PM2_Supporting, PS3, PP3. (VCEP specifications version 1.4.0) Based on Tavtigian et al 2020 (PMID:32720330), the total points applied = 8, which equates to a classification of Likely Pathogenic).

Labcorp Genetics (formerly Invitae), Labcorp
Classification: Uncertain significance for DICER1-related tumor predisposition. Last evaluated: 2025-12-15. Review status: criteria provided, single submitter. Criteria: Invitae Variant Classification Sherloc (09022015). Collection method: clinical testing. Allele origin: germline. Not counted in ClinVar's aggregate classification.
Comment: This sequence change falls in intron 24 of the DICER1 gene. It does not directly change the encoded amino acid sequence of the DICER1 protein. This variant is not present in population databases (gnomAD no frequency). This variant has been observed in individual(s) with DICER1 syndrome (PMID: 37248399). ClinVar contains an entry for this variant (Variation ID: 1713278). Studies have shown that this variant alters mRNA splicing and is expected to lead to the loss of protein expression (PMID: 37248399). In summary, the available evidence is currently insufficient to determine the role of this variant in disease. Therefore, it has been classified as a Variant of Uncertain Significance.

Institute for Genomic Medicine (IGM) Clinical Laboratory, Nationwide Children's Hospital
Classification: Likely pathogenic for DICER1-related tumor predisposition. Last evaluated: 2024-09-23. Review status: criteria provided, single submitter. Criteria: ACMG Guidelines, 2015. Collection method: clinical testing. Allele origin: germline. Not counted in ClinVar's aggregate classification.
Comment: Well-established functional studies have demonstrated this variant to have a damaging effect on protein function or splicing (ACMG/AMP: PS3; PMID:37248399). This variant is absent from or present at an exceedingly low frequency in gnomAD, a large-scale control population database (ACMG/AMP: PM2).

Foulkes Cancer Genetics LDI, Lady Davis Institute for Medical Research
Classification: Likely pathogenic for Pleuropulmonary blastoma. Last evaluated: 2022-11-03. Review status: criteria provided, single submitter. Criteria: ACMG Guidelines, 2015. Collection method: research. Allele origin: germline. Affected: yes. Not counted in ClinVar's aggregate classification.
Comment: This variant meets the criteria to be classified as Likely Pathogenic for DICER1 syndrome based on the ACMG/AMP criteria and ClinGen DICER1 guidelines: PS2_Supporting, PS3, PS4_Supporting, PM2_Supporting, PP3, PP4.

Literature cited by the submitters: PubMed 37248399 (cited by 3 submitters).